The following is an entry in ClinVar:

NM_001378454.1(ALMS1):c.3236T>G (p.Phe1079Cys)

Gene: ALMS1 (ALMS1 centrosome and basal body associated protein; plus strand). Cytogenetic location: 2p13.1.
Variant type: single nucleotide variant.
Coding change: c.3236T>G on transcript NM_001378454.1 (MANE Select); coding-DNA position 3236, T replaced by G.
Protein change: p.Phe1079Cys; replaces phenylalanine 1079 with cysteine.
Molecular consequence: missense variant.
Genome position (GRCh38, 1-based): chr2:73,449,763, T>G. VCF-style: chr2-73449763-T-G. GRCh37 (hg19) VCF-style: chr2-73676890-T-G.
Other names: c.3239T>G, p.Phe1080Cys (NM_015120.4); short protein forms F1079C, F1080C.
Identifiers: ClinVar variation 1906705 (VCV001906705.5), dbSNP rs951258860, ClinGen allele CA50392256.
Genomic context (GRCh38, chr2:73,449,763, plus strand): 5'-TGTACCCACAGGTGTTATCAGACAGTCATCTACCTGAAGAGAGTCTGAAAGTTTCAGCCT[T>G]CCCTGGACCAGCTGACCAGATGACTGACACACCAGCAGTACCGTCTACTTTCTACTCACA-3'
Protein context (NP_001365383.1, residues 1069-1089): LPEESLKVSA[Phe1079Cys]PGPADQMTDT

ClinVar aggregate classification (germline): Uncertain significance (1 of 4 stars; one submission).

Conditions:
Alstrom syndrome (ALMS). Identifiers: Orphanet 64, MedGen C0268425, MONDO:0008763, OMIM 203800.

Allele frequency attached by ClinVar (database versions not stated): gnomAD exomes below 0.00001.
gnomAD v4.1: 1 of 1,613,898 alleles (0.000062%); highest among the groups gnomAD compares: Non-Finnish European, 0.000085%; no homozygotes.

Submission:

Labcorp Genetics (formerly Invitae), Labcorp
Classification: Uncertain significance for Alstrom syndrome. Last evaluated: 2024-10-18. Review status: criteria provided, single submitter. Criteria: Invitae Variant Classification Sherloc (09022015). Collection method: clinical testing. Allele origin: germline.
Comment: This sequence change replaces phenylalanine, which is neutral and non-polar, with cysteine, which is neutral and slightly polar, at codon 1080 of the ALMS1 protein (p.Phe1080Cys). This variant is not present in population databases (gnomAD no frequency). This variant has not been reported in the literature in individuals affected with ALMS1-related conditions. ClinVar contains an entry for this variant (Variation ID: 1906705). Experimental studies and prediction algorithms are not available or were not evaluated, and the functional significance of this variant is currently unknown. In summary, the available evidence is currently insufficient to determine the role of this variant in disease. Therefore, it has been classified as a Variant of Uncertain Significance.